The following is an entry in ClinVar:

NM_003059.3(SLC22A4):c.630C>G (p.Asn210Lys)

Genes: MIR3936HG (MIR3936 host gene; minus strand), SLC22A4 (solute carrier family 22 member 4; plus strand). Cytogenetic location: 5q31.1.
Variant type: single nucleotide variant.
Coding change: c.630C>G on transcript NM_003059.3 (MANE Select); coding-DNA position 630, C replaced by G.
Protein change: p.Asn210Lys; replaces asparagine 210 with lysine.
Molecular consequence: missense variant.
Genome position (GRCh38, 1-based): chr5:132,313,746, C>G. VCF-style: chr5-132313746-C-G. GRCh37 (hg19) VCF-style: chr5-131649439-C-G.
Other names: short protein forms N210K.
Identifiers: ClinVar variation 2722859 (VCV002722859.3), dbSNP rs143879161, ClinGen allele CA3403457.

ClinVar aggregate classification (germline): Uncertain significance (1 of 4 stars; one submission).

Allele frequency attached by ClinVar (database versions not stated): ESP Exome Variant Server 0.00015.
gnomAD v4.1: 19 of 1,614,094 alleles (0.0012%); highest among the groups gnomAD compares: African/African-American, 0.0027%; no homozygotes.

Submission:

Labcorp Genetics (formerly Invitae), Labcorp
Classification: Uncertain significance. Last evaluated: 2025-10-18. Review status: criteria provided, single submitter. Criteria: Invitae Variant Classification Sherloc (09022015). Collection method: clinical testing. Allele origin: germline.
Comment: This sequence change replaces asparagine, which is neutral and polar, with lysine, which is basic and polar, at codon 210 of the SLC22A4 protein (p.Asn210Lys). This variant is present in population databases (rs143879161, gnomAD 0.003%). This variant has not been reported in the literature in individuals affected with SLC22A4-related conditions. ClinVar contains an entry for this variant (Variation ID: 2722859). Invitae Evidence Modeling of protein sequence and biophysical properties (such as structural, functional, and spatial information, amino acid conservation, physicochemical variation, residue mobility, and thermodynamic stability) indicates that this missense variant is expected to disrupt SLC22A4 protein function with a positive predictive value of 80%. Algorithms developed to predict the effect of sequence changes on RNA splicing suggest that this variant may create or strengthen a splice site. In summary, the available evidence is currently insufficient to determine the role of this variant in disease. Therefore, it has been classified as a Variant of Uncertain Significance.